The following is an entry in ClinVar:

ClinVar aggregate classification (germline): Uncertain significance (1 of 4 stars; one submission).

Conditions:
Long QT syndrome (LQTS). Identifiers: MedGen C0023976, MeSH D008133, MONDO:0002442. Disease mechanism: loss of function. Inheritance: Various modes of inheritance.

Allele frequency attached by ClinVar (database versions not stated): gnomAD exomes below 0.00001; gnomAD 0.00001.
gnomAD v4.1: 4 of 1,613,932 alleles (0.00025%); highest among the groups gnomAD compares: Admixed American, 0.0017%; no homozygotes.

Submission:

Labcorp Genetics (formerly Invitae), Labcorp
Classification: Uncertain significance for Long QT syndrome. Last evaluated: 2022-07-26. Review status: criteria provided, single submitter. Criteria: Invitae Variant Classification Sherloc (09022015). Collection method: clinical testing. Allele origin: germline.
Comment: In summary, the available evidence is currently insufficient to determine the role of this variant in disease. Therefore, it has been classified as a Variant of Uncertain Significance. Algorithms developed to predict the effect of missense changes on protein structure and function are either unavailable or do not agree on the potential impact of this missense change (SIFT: "Tolerated"; PolyPhen-2: "Possibly Damaging"; Align-GVGD: "Class C0"). ClinVar contains an entry for this variant (Variation ID: 457046). This variant has not been reported in the literature in individuals affected with ANK2-related conditions. This variant is not present in population databases (gnomAD no frequency). This sequence change replaces histidine, which is basic and polar, with tyrosine, which is neutral and polar, at codon 1925 of the ANK2 protein (p.His1925Tyr).

NM_001148.6(ANK2):c.5773C>T (p.His1925Tyr)

Genes: ANK2 (ankyrin 2; plus strand), LOC126807136 (MED14-independent group 3 enhancer GRCh37_chr4:114274931-114276130; plus strand). Cytogenetic location: 4q26.
Variant type: single nucleotide variant.
Coding change: c.5773C>T on transcript NM_001148.6 (MANE Select); coding-DNA position 5773, C replaced by T.
Protein change: p.His1925Tyr; replaces histidine 1925 with tyrosine.
Molecular consequence: missense variant. On other transcripts: intron variant (68).
Genome position (GRCh38, 1-based): chr4:113,354,391, C>T. VCF-style: chr4-113354391-C-T. GRCh37 (hg19) VCF-style: chr4-114275547-C-T.
Other names: c.5539C>T, p.His1847Tyr (NM_001386142.1); c.2173C>T, p.His725Tyr (NM_001386166.1); c.5914C>T, p.His1972Tyr (NM_001386174.1); c.5890C>T, p.His1964Tyr (NM_001386175.1); c.4411+4142C>T (NM_001386186.2, NM_001386148.2); c.4213+4142C>T (NM_001354269.3); c.4291+4142C>T (NM_001386187.2); c.4252+4142C>T (NM_001386147.1); and 35 more; short protein forms H1925Y, H1847Y, H1964Y, H1972Y, H725Y.
Identifiers: ClinVar variation 457046 (VCV000457046.5), dbSNP rs1554553719, ClinGen allele CA357921255.